The following is an entry in ClinVar:

NM_000136.3(FANCC):c.1329G>A (p.Met443Ile)

Genes: FANCC (FA complementation group C; minus strand), AOPEP (aminopeptidase O (putative); plus strand). Cytogenetic location: 9q22.32.
Variant type: single nucleotide variant.
Coding change: c.1329G>A on transcript NM_000136.3 (MANE Select); coding-DNA position 1329, G replaced by A.
Protein change: p.Met443Ile; replaces methionine 443 with isoleucine.
Molecular consequence: missense variant.
Genome position (GRCh38, 1-based): chr9:95,111,463, C>T on the plus strand (G>A on the coding strand, the complement: FANCC is on the minus strand). VCF-style: chr9-95111463-C-T. GRCh37 (hg19) VCF-style: chr9-97873745-C-T.
Other names: c.1329G>A, p.Met443Ile (NM_001243743.2, NM_001243744.2); short protein forms M443I.
Identifiers: ClinVar variation 1420331 (VCV001420331.5), dbSNP rs772133680, ClinGen allele CA5137399.
Genomic context (GRCh38, chr9:95,111,463, plus strand): 5'-AAGCTCCTCTCAGCCCCCCAGAGCCCACCCCAAACACATGCAGTGGGGCCTGCTACCCAC[C>T]ATAGTCTGTGCTCTCTGCTGCCTCCCATCACGGGGGCCGTAGTAGAAGGCCAAGAGCCAC-3'
Protein context (NP_000127.2, residues 433-453): RDGRQQRAQT[Met443Ile]VQVKAVLGHL

ClinVar aggregate classification (germline): Uncertain significance. Review status: criteria provided, multiple submitters, no conflicts (2 of 4 stars). 2 submissions from 2 submitters: Uncertain significance (2). Last evaluated 2021-10-27.

Conditions:
Fanconi anemia (FA). Also called: Fanconi's anemia. Identifiers: Orphanet 84, MedGen C0015625, MeSH D005199, MONDO:0019391.
Hereditary cancer-predisposing syndrome. Also called: Neoplastic Syndromes, Hereditary; Hereditary Cancer Syndrome; Hereditary neoplastic syndrome; Tumor predisposition. Identifiers: Orphanet 140162, MedGen C0027672, MeSH D009386, MONDO:0015356.

Allele frequency attached by ClinVar (database versions not stated): gnomAD exomes below 0.00001; ExAC 0.00001.
gnomAD v4.1: 3 of 1,612,368 alleles (0.00019%); highest among the groups gnomAD compares: South Asian, 0.0033%; no homozygotes.

Submissions (2):

Labcorp Genetics (formerly Invitae), Labcorp
Classification: Uncertain significance for Fanconi anemia. Last evaluated: 2021-10-27. Review status: criteria provided, single submitter. Criteria: Invitae Variant Classification Sherloc (09022015). Collection method: clinical testing. Allele origin: germline.
Comment: This sequence change affects codon 443 of the FANCC mRNA. It is a 'silent' change, meaning that it does not change the encoded amino acid sequence of the FANCC protein. This variant also falls at the last nucleotide of exon 13, which is part of the consensus splice site for this exon. This variant is present in population databases (rs772133680, gnomAD 0.003%). This variant has not been reported in the literature in individuals affected with FANCC-related conditions. Algorithms developed to predict the effect of missense changes on protein structure and function are either unavailable or do not agree on the potential impact of this missense change (SIFT: "Tolerated"; PolyPhen-2: "Probably Damaging"; Align-GVGD: "Class C0"). Variants that disrupt the consensus splice site are a relatively common cause of aberrant splicing (PMID: 17576681, 9536098). Algorithms developed to predict the effect of sequence changes on RNA splicing suggest that this variant may disrupt the consensus splice site. In summary, the available evidence is currently insufficient to determine the role of this variant in disease. Therefore, it has been classified as a Variant of Uncertain Significance.

Ambry Genetics
Classification: Uncertain significance for Hereditary cancer-predisposing syndrome. Last evaluated: 2021-07-02. Review status: criteria provided, single submitter. Criteria: Ambry Variant Classification Scheme 2023. Collection method: clinical testing. Allele origin: germline.
Comment: The p.M443I variant (also known as c.1329G>A), located in coding exon 12 of the FANCC gene, results from a G to A substitution at nucleotide position 1329. The amino acid change results in methionine to isoleucine at codon 443, an amino acid with highly similar properties. This variant was reported in 1/60,466 breast cancer cases and in 1/53,461 controls (Dorling et al. N Engl J Med. 2021 02;384:428-439). This amino acid position is well conserved in available vertebrate species. In addition, this alteration is predicted to be tolerated by in silico analysis. Since supporting evidence is limited at this time, the clinical significance of this alteration remains unclear.

Literature cited by the submitters: PubMed 17576681 (cited by Labcorp Genetics (formerly Invitae), Labcorp); PubMed 9536098 (cited by Labcorp Genetics (formerly Invitae), Labcorp); PubMed 33471991 (cited by Ambry Genetics).